The following is an entry in ClinVar:

NM_182943.3(PLOD2):c.-4G>A

Gene: PLOD2 (procollagen-lysine,2-oxoglutarate 5-dioxygenase 2; minus strand). Cytogenetic location: 3q24.
Variant type: single nucleotide variant.
Coding change: c.-4G>A on transcript NM_182943.3 (MANE Select); 4 bases upstream of the start codon, G replaced by A.
Molecular consequence: 5 prime UTR variant.
Genome position (GRCh38, 1-based): chr3:146,160,993, C>T on the plus strand (G>A on the coding strand, the complement: PLOD2 is on the minus strand). VCF-style: chr3-146160993-C-T. GRCh37 (hg19) VCF-style: chr3-145878780-C-T.
Other names: c.-4G>A (NM_000935.3).
Identifiers: ClinVar variation 193511 (VCV000193511.14), dbSNP rs79161810, ClinGen allele CA200634.
Genomic context (GRCh38, chr3:146,160,993, plus strand): 5'-GGGGTGGAGGACGAGCGCCAGGAGCAGCAGCTGAGGCTTCACCGTGCATCCCCCCATATT[C>T]GGCCCTCGAGGGCCGCGCGGGCTCAGGCGCCCACGGCCCCGCAGCGCCGCGCTTCTCGCG-3'

ClinVar aggregate classification (germline): Likely benign. Review status: criteria provided, multiple submitters, no conflicts (2 of 4 stars). 4 submissions from 4 submitters: Likely benign (3). 1 of the submissions does not count toward it. Last evaluated 2025-02-10.

Conditions:
PLOD2-related disorder. Also called: PLOD2-related condition.

Allele frequency attached by ClinVar (database versions not stated): gnomAD exomes 0.00018 and 0.00053; ExAC 0.00112; 1000 Genomes Project 0.00160; ESP Exome Variant Server 0.00163; gnomAD 0.00173; 1000 Genomes Project 30x 0.00203; TOPMed 0.00228.
gnomAD v4.1: 548 of 1,566,302 alleles (0.035%); highest among the groups gnomAD compares: African/African-American, 0.67%; 3 homozygotes.

Submissions (4):

GeneDx
Classification: Likely benign. Last evaluated: 2025-02-10. Review status: criteria provided, single submitter. Criteria: GeneDx Variant Classification Process June 2021. Collection method: clinical testing. Allele origin: germline. Affected: yes.
Comment: See Variant Classification Assertion Criteria.

Blueprint Genetics
Classification: Likely benign. Last evaluated: 2024-08-06. Review status: criteria provided, single submitter. Criteria: ACMG Guidelines, 2015. Collection method: clinical testing. Allele origin: germline.

Eurofins Ntd Llc (ga)
Classification: Likely benign. Last evaluated: 2015-03-10. Review status: criteria provided, single submitter. Criteria: EGL Classification Definitions 2015. Collection method: clinical testing. Allele origin: germline. Observed: 1 variant allele, 1 heterozygote.

PreventionGenetics, part of Exact Sciences
Classification: Benign for PLOD2-related condition. Last evaluated: 2019-12-23. Review status: no assertion criteria provided. Collection method: clinical testing. Allele origin: germline. Not counted in ClinVar's aggregate classification.
Comment: This variant is classified as benign based on ACMG/AMP sequence variant interpretation guidelines (Richards et al. 2015 PMID: 25741868, with internal and published modifications).